The following is an entry in ClinVar:

NM_001114753.3(ENG):c.521A>G (p.Gln174Arg)

Gene: ENG (endoglin; minus strand). Cytogenetic location: 9q34.11.
Variant type: single nucleotide variant.
Coding change: c.521A>G on transcript NM_001114753.3 (MANE Select); coding-DNA position 521, A replaced by G.
Protein change: p.Gln174Arg; replaces glutamine 174 with arginine.
Molecular consequence: missense variant. On other transcripts: 5 prime UTR variant (1).
Genome position (GRCh38, 1-based): chr9:127,826,512, T>C on the plus strand (A>G on the coding strand, the complement: ENG is on the minus strand). VCF-style: chr9-127826512-T-C. GRCh37 (hg19) VCF-style: chr9-130588791-T-C.
Other names: c.521A>G, p.Gln174Arg (NM_000118.4, NM_001406715.1); c.-26A>G (NM_001278138.2); short protein forms Q174R.
Identifiers: ClinVar variation 4870448 (VCV004870448.1).

ClinVar aggregate classification (germline): Uncertain significance (1 of 4 stars; one submission).

Conditions:
Cardiovascular phenotype. Identifiers: MedGen CN230736.

Submission:

Ambry Genetics
Classification: Uncertain significance for Cardiovascular phenotype. Last evaluated: 2026-04-19. Review status: criteria provided, single submitter. Criteria: Ambry Variant Classification Scheme 2023. Collection method: clinical testing. Allele origin: germline.
Comment: The p.Q174R variant (also known as c.521A>G), located in coding exon 4 of the ENG gene, results from an A to G substitution at nucleotide position 521. The glutamine at codon 174 is replaced by arginine, an amino acid with highly similar properties. This amino acid position is conserved. In addition, this alteration is predicted to be tolerated by in silico analysis. Based on the available evidence, the clinical significance of this variant remains unclear.